The following is an entry in ClinVar:

ClinVar aggregate classification (germline): Uncertain significance. Review status: criteria provided, multiple submitters, no conflicts (2 of 4 stars). 2 submissions from 2 submitters: Uncertain significance (2). Last evaluated 2025-09-20.

Conditions:
Cardiovascular phenotype. Identifiers: MedGen CN230736.
Long QT syndrome (LQTS). Identifiers: MedGen C0023976, MeSH D008133, MONDO:0002442. Disease mechanism: loss of function. Inheritance: Various modes of inheritance.

Allele frequency attached by ClinVar (database versions not stated): TOPMed 0.00001.
gnomAD v4.1: 1 of 1,614,114 alleles (0.000062%); no homozygotes.

Submissions (2):

Labcorp Genetics (formerly Invitae), Labcorp
Classification: Uncertain significance for Long QT syndrome. Last evaluated: 2025-09-20. Review status: criteria provided, single submitter. Criteria: Invitae Variant Classification Sherloc (09022015). Collection method: clinical testing. Allele origin: germline.
Comment: This sequence change replaces phenylalanine, which is neutral and non-polar, with leucine, which is neutral and non-polar, at codon 2431 of the AKAP9 protein (p.Phe2431Leu). The frequency data for this variant in the population databases is considered unreliable, as metrics indicate poor data quality at this position in the gnomAD database. This variant has not been reported in the literature in individuals affected with AKAP9-related conditions. ClinVar contains an entry for this variant (Variation ID: 1517111). An algorithm developed to predict the effect of missense changes on protein structure and function (PolyPhen-2) suggests that this variant is likely to be tolerated. In summary, the available evidence is currently insufficient to determine the role of this variant in disease. Therefore, it has been classified as a Variant of Uncertain Significance.

Ambry Genetics
Classification: Uncertain significance for Cardiovascular phenotype. Last evaluated: 2023-03-28. Review status: criteria provided, single submitter. Criteria: Ambry Variant Classification Scheme 2023. Collection method: clinical testing. Allele origin: germline.

NM_005751.5(AKAP9):c.7291T>C (p.Phe2431Leu)

Gene: AKAP9 (A-kinase anchoring protein 9; plus strand). Cytogenetic location: 7q21.2.
Variant type: single nucleotide variant.
Coding change: c.7291T>C on transcript NM_005751.5 (MANE Select); coding-DNA position 7291, T replaced by C.
Protein change: p.Phe2431Leu; replaces phenylalanine 2431 with leucine.
Molecular consequence: missense variant.
Genome position (GRCh38, 1-based): chr7:92,079,424, T>C. VCF-style: chr7-92079424-T-C. GRCh37 (hg19) VCF-style: chr7-91708738-T-C.
Other names: c.1936T>C, p.Phe646Leu (NM_001379277.1); c.7267T>C, p.Phe2423Leu (NM_147185.3); short protein forms F2423L, F2431L, F646L.
Identifiers: ClinVar variation 1517111 (VCV001517111.10), dbSNP rs1305633544, ClinGen allele CA368135403.